The following is an entry in ClinVar:

ClinVar aggregate classification (germline): Pathogenic (0 of 4 stars; one submission).

Conditions:
Oculocutaneous albinism type 4 (OCA4). Also called: Albinism, oculocutaneous, type IV. Identifiers: Orphanet 79435, MedGen C1847836, MONDO:0011683, OMIM 606574.

Submission:

Baylor Genetics
Classification: Pathogenic for Oculocutaneous albinism type 4. Last evaluated: 2016-05-01. Review status: no assertion criteria provided. Collection method: clinical testing. Allele origin: germline. Inheritance: Autosomal recessive inheritance. Affected: yes.

NM_016180.5(SLC45A2):c.163dup (p.Tyr55fs)

Gene: SLC45A2 (solute carrier family 45 member 2; minus strand). Cytogenetic location: 5p13.2.
Variant type: Duplication.
Coding change: c.163dup on transcript NM_016180.5 (MANE Select); coding-DNA position 163, one base duplicated (T; older notation c.163dupT).
Protein change: p.Tyr55fs; shifts the reading frame from tyrosine 55.
Molecular consequence: frameshift variant.
Genome position (GRCh38, 1-based): chr5:33,984,421, A duplicated on the plus strand (T on the coding strand, the reverse complement: SLC45A2 is on the minus strand). VCF-style (leftmost placement, unchanged base first): chr5-33984420-T-TA. GRCh37 (hg19) VCF-style: chr5-33984525-T-TA.
Other names: c.163dup, p.Tyr55fs (NM_001012509.4, NM_001297417.4); short protein forms Y55fs.
Identifiers: ClinVar variation 374397 (VCV000374397.1), dbSNP rs1057518722, ClinGen allele CA16043661.